The following is an entry in ClinVar:

NM_004415.4(DSP):c.2436+3A>G

Gene: DSP (desmoplakin; plus strand). Cytogenetic location: 6p24.3.
Variant type: single nucleotide variant.
Coding change: c.2436+3A>G on transcript NM_004415.4 (MANE Select); 3 bases into the intron after coding-DNA position 2436, A replaced by G.
Molecular consequence: intron variant.
Genome position (GRCh38, 1-based): chr6:7,574,798, A>G. VCF-style: chr6-7574798-A-G. GRCh37 (hg19) VCF-style: chr6-7575031-A-G.
Other names: c.2436+3A>G (NM_001319034.2, NM_001008844.3).
Identifiers: ClinVar variation 4787646 (VCV004787646.1).

ClinVar aggregate classification (germline): Uncertain significance (1 of 4 stars; one submission).

Conditions:
Arrhythmogenic right ventricular dysplasia 8 (ARVD8). Also called: Arrhythmogenic Right Ventricular Dysplasia/Cardiomyopathy 8; ARRHYTHMOGENIC RIGHT VENTRICULAR DYSPLASIA, FAMILIAL, 8; ARRHYTHMOGENIC RIGHT VENTRICULAR CARDIOMYOPATHY 8. Identifiers: MedGen C1843896, MONDO:0011831, OMIM 607450.
Arrhythmogenic cardiomyopathy with wooly hair and keratoderma. Also called: Arrhythmogenic cardiomyopathy with woolly hair and keratoderma; PALMOPLANTAR KERATODERMA WITH LEFT VENTRICULAR CARDIOMYOPATHY AND WOOLLY HAIR; Carvajal syndrome; Dilated cardiomyopathy with woolly hair and keratoderma. Identifiers: Orphanet 65282, MedGen C1854063, MONDO:0011581, OMIM 605676.

Submission:

Labcorp Genetics (formerly Invitae), Labcorp
Classification: Uncertain significance for Arrhythmogenic cardiomyopathy with wooly hair and keratoderma; Arrhythmogenic right ventricular dysplasia 8. Last evaluated: 2025-09-20. Review status: criteria provided, single submitter. Criteria: Invitae Variant Classification Sherloc (09022015). Collection method: clinical testing. Allele origin: germline.
Comment: This sequence change falls in intron 17 of the DSP gene. It does not directly change the encoded amino acid sequence of the DSP protein. It affects a nucleotide within the consensus splice site. This variant is not present in population databases (gnomAD no frequency). This variant has not been reported in the literature in individuals affected with DSP-related conditions. Variants that disrupt the consensus splice site are a relatively common cause of aberrant splicing (PMID: 17576681, 9536098). Algorithms developed to predict the effect of sequence changes on RNA splicing suggest that this variant is not likely to affect RNA splicing. In summary, the available evidence is currently insufficient to determine the role of this variant in disease. Therefore, it has been classified as a Variant of Uncertain Significance.

Literature cited by the submitters: PubMed 17576681; PubMed 9536098.